The following is an entry in ClinVar:

ClinVar aggregate classification (germline): Conflicting classifications of pathogenicity. Review status: criteria provided, conflicting classifications (1 of 4 stars). 2 submissions from 2 submitters: Uncertain significance (1); Likely benign (1). Last evaluated 2024-06-22.

Conditions:
Inborn genetic diseases. Identifiers: MedGen C0950123, MeSH D030342.

Allele frequency attached by ClinVar (database versions not stated): TOPMed 0.00006; gnomAD 0.00007; ExAC 0.00010; 1000 Genomes Project 30x 0.00016; gnomAD exomes 0.00016; 1000 Genomes Project 0.00020; ESP Exome Variant Server 0.00023.
gnomAD v4.1: 246 of 1,612,120 alleles (0.015%); highest among the groups gnomAD compares: South Asian, 0.027%; no homozygotes.

Submissions (2):

Labcorp Genetics (formerly Invitae), Labcorp
Classification: Uncertain significance. Last evaluated: 2024-06-22. Review status: criteria provided, single submitter. Criteria: Invitae Variant Classification Sherloc (09022015). Collection method: clinical testing. Allele origin: germline.
Comment: This sequence change replaces arginine, which is basic and polar, with glutamine, which is neutral and polar, at codon 316 of the PLVAP protein (p.Arg316Gln). This variant is present in population databases (rs202200013, gnomAD 0.03%). This variant has not been reported in the literature in individuals affected with PLVAP-related conditions. ClinVar contains an entry for this variant (Variation ID: 2468022). Advanced modeling of protein sequence and biophysical properties (such as structural, functional, and spatial information, amino acid conservation, physicochemical variation, residue mobility, and thermodynamic stability) performed at Invitae indicates that this missense variant is not expected to disrupt PLVAP protein function with a negative predictive value of 80%. In summary, the available evidence is currently insufficient to determine the role of this variant in disease. Therefore, it has been classified as a Variant of Uncertain Significance.

Ambry Genetics
Classification: Likely benign for Inborn genetic diseases. Last evaluated: 2023-01-20. Review status: criteria provided, single submitter. Criteria: Ambry Variant Classification Scheme 2023. Collection method: clinical testing. Allele origin: germline.

NM_031310.3(PLVAP):c.947G>A (p.Arg316Gln)

Gene: PLVAP (plasmalemma vesicle associated protein; minus strand). Cytogenetic location: 19p13.11.
Variant type: single nucleotide variant.
Coding change: c.947G>A on transcript NM_031310.3 (MANE Select); coding-DNA position 947, G replaced by A.
Protein change: p.Arg316Gln; replaces arginine 316 with glutamine.
Molecular consequence: missense variant.
Genome position (GRCh38, 1-based): chr19:17,365,518, C>T on the plus strand (G>A on the coding strand, the complement: PLVAP is on the minus strand). VCF-style: chr19-17365518-C-T. GRCh37 (hg19) VCF-style: chr19-17476327-C-T.
Other names: short protein forms R316Q.
Identifiers: ClinVar variation 2468022 (VCV002468022.3), dbSNP rs202200013, ClinGen allele CA9293924.